The following is an entry in ClinVar:

ClinVar aggregate classification (germline): Uncertain significance. Review status: criteria provided, multiple submitters, no conflicts (2 of 4 stars). 9 submissions from 8 submitters: Uncertain significance (8). 1 of the submissions does not count toward it. Last evaluated 2026-06-29.

Conditions:
USH2A-related disorder. Also called: USH2A-related disorders; USH2A-related condition. Identifiers: MedGen CN239332.
Retinitis pigmentosa 39 (RP39). Identifiers: Orphanet 791, MedGen C3151138, MONDO:0013436, OMIM 613809.
Usher syndrome type 2A. Also called: USHER SYNDROME, TYPE IIA; RETINAL DISEASE IN USHER SYNDROME TYPE IIA, MODIFIER OF. Identifiers: Orphanet 231178, Orphanet 886, MedGen C1848634, MONDO:0010169, OMIM 276901.

Allele frequency attached by ClinVar (database versions not stated): ExAC 0.00002; gnomAD exomes 0.00003; gnomAD 0.00004; TOPMed 0.00004; ESP Exome Variant Server 0.00015.
gnomAD v4.1: 141 of 1,613,330 alleles (0.0087%); highest among the groups gnomAD compares: Non-Finnish European, 0.012%; no homozygotes.

Submissions (9):

PreventionGenetics, part of Exact Sciences
Classification: Uncertain significance for USH2A-related condition. Last evaluated: 2026-06-29. Review status: criteria provided, single submitter. Criteria: ACMG Guidelines, 2015. Collection method: clinical testing. Allele origin: germline.
Comment: The USH2A c.6602A>T variant is predicted to result in the amino acid substitution p.Gln2201Leu. To our knowledge, this variant has not been reported in the literature. This variant is reported in 0.0053% of alleles in individuals of European (Non-Finnish) descent in gnomAD. At this time, the clinical significance of this variant is uncertain due to the absence of conclusive functional and genetic evidence.

GeneDx
Classification: Uncertain significance. Last evaluated: 2025-10-30. Review status: criteria provided, single submitter. Criteria: GeneDx Variant Classification Process June 2021. Collection method: clinical testing. Allele origin: germline. Affected: yes.
Comment: Not observed at significant frequency in large population cohorts (gnomAD); In silico analysis suggests that this missense variant does not alter protein structure/function; Has not been previously published as pathogenic or benign to our knowledge

Labcorp Genetics (formerly Invitae), Labcorp
Classification: Uncertain significance. Last evaluated: 2024-10-29. Review status: criteria provided, single submitter. Criteria: Invitae Variant Classification Sherloc (09022015). Collection method: clinical testing. Allele origin: germline.
Comment: This sequence change replaces glutamine, which is neutral and polar, with leucine, which is neutral and non-polar, at codon 2201 of the USH2A protein (p.Gln2201Leu). This variant is present in population databases (rs143107117, gnomAD 0.006%). This variant has not been reported in the literature in individuals affected with USH2A-related conditions. ClinVar contains an entry for this variant (Variation ID: 282354). Invitae Evidence Modeling of protein sequence and biophysical properties (such as structural, functional, and spatial information, amino acid conservation, physicochemical variation, residue mobility, and thermodynamic stability) indicates that this missense variant is not expected to disrupt USH2A protein function with a negative predictive value of 95%. In summary, the available evidence is currently insufficient to determine the role of this variant in disease. Therefore, it has been classified as a Variant of Uncertain Significance.

Genome-Nilou Lab
Classification: Uncertain significance for Retinitis pigmentosa 39. Last evaluated: 2023-11-04. Review status: criteria provided, single submitter. Criteria: ACMG Guidelines, 2015. Collection method: clinical testing. Allele origin: germline. Affected: no.

Genome-Nilou Lab
Classification: Uncertain significance for Usher syndrome type 2A. Last evaluated: 2023-11-04. Review status: criteria provided, single submitter. Criteria: ACMG Guidelines, 2015. Collection method: clinical testing. Allele origin: germline. Affected: no.

Blueprint Genetics
Classification: Uncertain significance. Last evaluated: 2023-10-03. Review status: criteria provided, single submitter. Criteria: ACMG Guidelines, 2015. Collection method: clinical testing. Allele origin: germline.

Laboratory for Molecular Medicine, Mass General Brigham Personalized Medicine
Classification: Uncertain significance. Last evaluated: 2017-09-22. Review status: criteria provided, single submitter. Criteria: LMM Criteria. Collection method: clinical testing. Allele origin: germline. Observed: 1 variant allele.
Comment: The p.Gln2201Leu variant in USH2A has not been previously reported in individual s with hearing loss or Usher syndrome, but has been identified in 7/111432 of Eu ropean chromosomes by the Genome Aggregation Database (gnomAD; dbSNP rs143107117). Although this variant has been seen in the general population, its frequency is not high enough to rule out a pathogenic r ole. Computational prediction tools and conservation analysis suggest that the p .Gln2201Leu variant may not impact the protein, though this information is not p redictive enough to rule out pathogenicity. In summary, the clinical significanc e of the p.Gln2201Leu variant is uncertain.

Eurofins Ntd Llc (ga)
Classification: Uncertain significance. Last evaluated: 2015-09-14. Review status: criteria provided, single submitter. Criteria: EGL Classification Definitions 2015. Collection method: clinical testing. Allele origin: germline. Observed: 1 variant allele, 1 heterozygote.

Natera, Inc.
Classification: Uncertain significance for Usher syndrome type 2A. Last evaluated: 2020-08-10. Review status: no assertion criteria provided. Collection method: clinical testing. Allele origin: germline. Not counted in ClinVar's aggregate classification.

NM_206933.4(USH2A):c.6602A>T (p.Gln2201Leu)

Gene: USH2A (usherin; minus strand). Cytogenetic location: 1q41.
Variant type: single nucleotide variant.
Coding change: c.6602A>T on transcript NM_206933.4 (MANE Select); coding-DNA position 6602, A replaced by T.
Protein change: p.Gln2201Leu; replaces glutamine 2201 with leucine.
Molecular consequence: missense variant.
Genome position (GRCh38, 1-based): chr1:215,998,942, T>A on the plus strand (A>T on the coding strand, the complement: USH2A is on the minus strand). VCF-style: chr1-215998942-T-A. GRCh37 (hg19) VCF-style: chr1-216172284-T-A.
Other names: short protein forms Q2201L.
Identifiers: ClinVar variation 282354 (VCV000282354.17), dbSNP rs143107117, ClinGen allele CA1395096.